The following is an entry in ClinVar:

NM_145290.4(ADGRA3):c.2291A>G (p.Tyr764Cys)

Gene: ADGRA3 (adhesion G protein-coupled receptor A3; minus strand). Cytogenetic location: 4p15.2.
Variant type: single nucleotide variant.
Coding change: c.2291A>G on transcript NM_145290.4 (MANE Select); coding-DNA position 2291, A replaced by G.
Protein change: p.Tyr764Cys; replaces tyrosine 764 with cysteine.
Molecular consequence: missense variant.
Genome position (GRCh38, 1-based): chr4:22,402,741, T>C on the plus strand (A>G on the coding strand, the complement: ADGRA3 is on the minus strand). VCF-style: chr4-22402741-T-C. GRCh37 (hg19) VCF-style: chr4-22404364-T-C.
Other names: short protein forms Y764C.
Identifiers: ClinVar variation 3669269 (VCV003669269.2).

ClinVar aggregate classification (germline): Uncertain significance (1 of 4 stars; one submission).

gnomAD v4.1: 1 of 1,613,894 alleles (0.000062%); highest among the groups gnomAD compares: African/African-American, 0.0013%; no homozygotes.

Submission:

Labcorp Genetics (formerly Invitae), Labcorp
Classification: Uncertain significance. Last evaluated: 2024-06-26. Review status: criteria provided, single submitter. Criteria: Invitae Variant Classification Sherloc (09022015). Collection method: clinical testing. Allele origin: germline.
Comment: This sequence change replaces tyrosine, which is neutral and polar, with cysteine, which is neutral and slightly polar, at codon 764 of the ADGRA3 protein (p.Tyr764Cys). This variant is not present in population databases (gnomAD no frequency). This variant has not been reported in the literature in individuals affected with ADGRA3-related conditions. An algorithm developed to predict the effect of missense changes on protein structure and function (PolyPhen-2) suggests that this variant is likely to be disruptive. In summary, the available evidence is currently insufficient to determine the role of this variant in disease. Therefore, it has been classified as a Variant of Uncertain Significance.